The following is an entry in ClinVar:

NM_000719.7(CACNA1C):c.2446C>T (p.Pro816Ser)

Gene: CACNA1C (calcium voltage-gated channel subunit alpha1 C; plus strand). Cytogenetic location: 12p13.33.
Variant type: single nucleotide variant.
Coding change: c.2446C>T on transcript NM_000719.7 (MANE Select); coding-DNA position 2446, C replaced by T.
Protein change: p.Pro816Ser; replaces proline 816 with serine.
Molecular consequence: missense variant.
Genome position (GRCh38, 1-based): chr12:2,585,482, C>T. VCF-style: chr12-2585482-C-T. GRCh37 (hg19) VCF-style: chr12-2694648-C-T.
Other names: c.2446C>T, p.Pro816Ser (NM_001129827.2, NM_001129829.2, NM_001129830.3 and 18 more transcripts); c.2437C>T, p.Pro813Ser (NM_001129844.2); short protein forms P813S, P816S.
Identifiers: ClinVar variation 1413519 (VCV001413519.10), dbSNP rs1380611135, ClinGen allele CA383371839.

ClinVar aggregate classification (germline): Uncertain significance. Review status: criteria provided, multiple submitters, no conflicts (2 of 4 stars). 4 submissions from 4 submitters: Uncertain significance (4). Last evaluated 2025-06-05.

Conditions:
Cardiovascular phenotype. Identifiers: MedGen CN230736.
Long QT syndrome (LQTS). Identifiers: MedGen C0023976, MeSH D008133, MONDO:0002442. Disease mechanism: loss of function. Inheritance: Various modes of inheritance.

Allele frequency attached by ClinVar (database versions not stated): gnomAD exomes below 0.00001; TOPMed below 0.00001.
gnomAD v4.1: 1 of 1,559,872 alleles (0.000064%); highest among the groups gnomAD compares: Non-Finnish European, 0.000087%; no homozygotes.

Submissions (4):

Labcorp Genetics (formerly Invitae), Labcorp
Classification: Uncertain significance for Long QT syndrome. Last evaluated: 2025-06-05. Review status: criteria provided, single submitter. Criteria: Invitae Variant Classification Sherloc (09022015). Collection method: clinical testing. Allele origin: germline.
Comment: This sequence change replaces proline, which is neutral and non-polar, with serine, which is neutral and polar, at codon 816 of the CACNA1C protein (p.Pro816Ser). This variant is not present in population databases (gnomAD no frequency). This variant has not been reported in the literature in individuals affected with CACNA1C-related conditions. ClinVar contains an entry for this variant (Variation ID: 1413519). Invitae Evidence Modeling of protein sequence and biophysical properties (such as structural, functional, and spatial information, amino acid conservation, physicochemical variation, residue mobility, and thermodynamic stability) indicates that this missense variant is not expected to disrupt CACNA1C protein function with a negative predictive value of 95%. In summary, the available evidence is currently insufficient to determine the role of this variant in disease. Therefore, it has been classified as a Variant of Uncertain Significance.

Blueprint Genetics
Classification: Uncertain significance. Last evaluated: 2024-06-10. Review status: criteria provided, single submitter. Criteria: ACMG Guidelines, 2015. Collection method: clinical testing. Allele origin: germline.

GeneDx
Classification: Uncertain significance. Last evaluated: 2024-03-22. Review status: criteria provided, single submitter. Criteria: GeneDx Variant Classification Process June 2021. Collection method: clinical testing. Allele origin: germline. Affected: yes.
Comment: Not observed at significant frequency in large population cohorts (gnomAD); In silico analysis supports that this missense variant has a deleterious effect on protein structure/function; Has not been previously published as pathogenic or benign to our knowledge

Ambry Genetics
Classification: Uncertain significance for Cardiovascular phenotype. Last evaluated: 2022-08-10. Review status: criteria provided, single submitter. Criteria: Ambry Variant Classification Scheme 2023. Collection method: clinical testing. Allele origin: germline.
Comment: The p.P816S variant (also known as c.2446C>T), located in coding exon 17 of the CACNA1C gene, results from a C to T substitution at nucleotide position 2446. The proline at codon 816 is replaced by serine, an amino acid with similar properties. This amino acid position is well conserved in available vertebrate species. In addition, the in silico prediction for this alteration is inconclusive. Since supporting evidence is limited at this time, the clinical significance of this alteration remains unclear.